The following is an entry in ClinVar:

ClinVar aggregate classification (germline): Uncertain significance (1 of 4 stars; one submission).

Conditions:
Inflammatory skin and bowel disease, neonatal, 1. Identifiers: Orphanet 294023, MedGen C3280501, MONDO:0013693, OMIM 614328.

Submission:

Labcorp Genetics (formerly Invitae), Labcorp
Classification: Uncertain significance for Inflammatory skin and bowel disease, neonatal, 1. Last evaluated: 2019-03-30. Review status: criteria provided, single submitter. Criteria: Invitae Variant Classification Sherloc (09022015). Collection method: clinical testing. Allele origin: germline.
Comment: In summary, the available evidence is currently insufficient to determine the role of this variant in disease. Therefore, it has been classified as a Variant of Uncertain Significance. Algorithms developed to predict the effect of missense changes on protein structure and function are either unavailable or do not agree on the potential impact of this missense change (SIFT: "Tolerated"; PolyPhen-2: "Probably Damaging"; Align-GVGD: "Class C0"). This variant has not been reported in the literature in individuals with ADAM17-related conditions. This variant is not present in population databases (ExAC no frequency). This sequence change replaces proline with leucine at codon 558 of the ADAM17 protein (p.Pro558Leu). The proline residue is moderately conserved and there is a moderate physicochemical difference between proline and leucine.

NM_003183.6(ADAM17):c.1673C>T (p.Pro558Leu)

Genes: ADAM17 (ADAM metallopeptidase domain 17; minus strand), IAH1 (isoamyl acetate hydrolyzing esterase 1 (putative); plus strand). Cytogenetic location: 2p25.1.
Variant type: single nucleotide variant.
Coding change: c.1673C>T on transcript NM_003183.6 (MANE Select); coding-DNA position 1673, C replaced by T.
Protein change: p.Pro558Leu; replaces proline 558 with leucine.
Molecular consequence: missense variant.
Genome position (GRCh38, 1-based): chr2:9,497,224, G>A on the plus strand (C>T on the coding strand, the complement: ADAM17 is on the minus strand). VCF-style: chr2-9497224-G-A. GRCh37 (hg19) VCF-style: chr2-9637353-G-A.
Other names: short protein forms P558L.
Identifiers: ClinVar variation 834962 (VCV000834962.8), dbSNP rs1662676771, ClinGen allele CA345775825.